The following is an entry in ClinVar:

ClinVar aggregate classification (germline): Pathogenic/Likely pathogenic. Review status: criteria provided, multiple submitters, no conflicts (2 of 4 stars). 15 submissions from 15 submitters: Pathogenic (11); Likely pathogenic (3). 1 of the submissions does not count toward it. Last evaluated 2026-01-24.

Conditions:
Nephrotic syndrome, type 2 (NPHS2). Also called: NEPHROTIC SYNDROME, STEROID-RESISTANT, AUTOSOMAL RECESSIVE. Identifiers: Orphanet 656, MedGen C1868672, MONDO:0010974, OMIM 600995.
Idiopathic nephrotic syndrome. Also called: Nephrotic syndrome, idiopathic, steroid-resistant. Identifiers: Orphanet 357502, MedGen C3496337, MONDO:0018170.
NPHS2-related disorder. Also called: NPHS2-related condition.
Steroid-resistant nephrotic syndrome. Identifiers: MedGen C0403397, MONDO:0044765, HP:0012588.

Allele frequency attached by ClinVar (database versions not stated): gnomAD exomes below 0.00001; ExAC 0.00001; gnomAD 0.00003 and 0.00004; TOPMed 0.00008.
gnomAD v4.1: 12 of 1,613,620 alleles (0.00074%); highest among the groups gnomAD compares: Admixed American, 0.005%; no homozygotes.

Submissions 1 to 11 of 15:

Labcorp Genetics (formerly Invitae), Labcorp
Classification: Pathogenic. Last evaluated: 2026-01-24. Review status: criteria provided, single submitter. Criteria: Invitae Variant Classification Sherloc (09022015). Collection method: clinical testing. Allele origin: germline.
Comment: This sequence change replaces alanine, which is neutral and non-polar, with valine, which is neutral and non-polar, at codon 284 of the NPHS2 protein (p.Ala284Val). This variant is present in population databases (rs780761368, gnomAD 0.0009%). This missense change has been observed in individuals with clinical features of steroid-resistant nephrotic syndrome (PMID: 11805166, 16354237, 18823551, 23349334, 23515051, 29982877). It has been reported in trans with the variant p.Arg229Gln in related affected individuals. This suggests that the combination of p.Arg229Gln and this variant may be clinically significant. ClinVar contains an entry for this variant (Variation ID: 562398). Invitae Evidence Modeling of protein sequence and biophysical properties (such as structural, functional, and spatial information, amino acid conservation, physicochemical variation, residue mobility, and thermodynamic stability) indicates that this missense variant is expected to disrupt NPHS2 protein function with a positive predictive value of 95%. This variant has been shown to alter NPHS2 (podocin) protein function, resulting in podocin mislocalization when in combination with p.Arg229Gln-podocin (PMID: 24509478). For these reasons, this variant has been classified as Pathogenic.

Women's Health and Genetics/Laboratory Corporation of America, LabCorp
Classification: Pathogenic for Idiopathic nephrotic syndrome. Last evaluated: 2025-11-07. Review status: criteria provided, single submitter. Criteria: LabCorp Variant Classification Summary - May 2015. Collection method: clinical testing. Allele origin: germline.
Comment: Variant summary: NPHS2 c.851C>T (p.Ala284Val) results in a non-conservative amino acid change in the encoded protein sequence. Algorithms developed to predict the effect of missense changes on protein structure and function all suggest that this variant is likely to be disruptive. The variant allele was found at a frequency of 4e-06 in 249998 control chromosomes. c.851C>T has been observed in multiple homozygous individuals affected with Nephrotic Syndrome Type 2, which progressed to end-stage renal disease (e.g. Tsukaguchi_2002, Karle_2002, Kitzler_2018). This variant was also reported in compound heterozygous state in numerous patients with a well-reported, frequent, genotype-dependent risk variant p.R229Q (e.g. Tsukaguchi_2002, Machuca_2009, Santin_2011), and occasionally also with other (potentially) pathogenic variants in trans (e.g. Park_2020). These data indicate that the variant is very likely to be associated with disease. At least one publication reports experimental evidence evaluating an impact on protein function and found that the A284V variant is retained in the ER instead of localizing to the plasma membrane (Tory_2014). Additionally, this study showed that while R229Q is localized to the plasma membrane when expressed with the WT protein, co-expression with the A284V variant resulted in both variant proteins being retained in the ER, highlighting that the A284V variant not only has a damaging effect on protein function alone, but also impairs the function of R229Q when they are co-expressed. The following publications have been ascertained in the context of this evaluation (PMID: 24227627, 11805166, 19145239, 12464671, 21415313, 24509478, 32604935, 29982877). ClinVar contains an entry for this variant (Variation ID: 562398). Based on the evidence outlined above, the variant was classified as pathogenic.

GeneDx
Classification: Pathogenic. Last evaluated: 2025-06-24. Review status: criteria provided, single submitter. Criteria: GeneDx Variant Classification Process June 2021. Collection method: clinical testing. Allele origin: germline. Affected: yes.
Comment: Not observed at significant frequency in large population cohorts (gnomAD); In silico analysis supports that this missense variant has a deleterious effect on protein structure/function; This variant is associated with the following publications: (PMID: 24509478, 21415313, 26211502, 16354237, 16898497, 26420286, 29982877, 32604935, 11805166, 23515051, 23349334, 19876656, 21355056, 19145239, 14978175, 12464671, 15253708, 18823551, 26455708, 35325889, 31308072, 37217505, 35253369, 37850020, 37547535, 30586318, 38765578)

Natera, Inc.
Classification: Likely pathogenic for Steroid-resistant nephrotic syndrome. Last evaluated: 2025-05-15. Review status: criteria provided, single submitter. Criteria: Natera Variant Classification Schema (03/2026). Collection method: clinical testing. Allele origin: germline.
Comment: The c.851C>T variant in NPHS2 is a missense variant predicted to cause substitution of alanine to valine at amino acid 284. This variant is rare in the general population with a frequency below the threshold expected for the associated phenotype(s). This variant has been observed in one or more individuals affected with the associated recessive disease, as either homozygous or compound heterozygous with a second variant (PMID: 29982877, 26534921). Additionally, this variant has been observed to segregate in affected family members (PMID: 26420286). Computational prediction algorithms indicate this variant is likely to affect gene or protein function. Given the available evidence, this variant is classified as Likely Pathogenic.

Dasa
Classification: Pathogenic. Last evaluated: 2025-04-29. Review status: criteria provided, single submitter. Criteria: DASA Assertion Criteria. Collection method: clinical testing. Allele origin: germline.
Comment: NM_014625.4(NPHS2):c.851C>T (p.Ala284Val) is a missense variant that results in the substitution of alanine with valine. Segregation evidence has been reported in affected families. This variant has been observed in affected individuals with related phenotype in a genotype context consistent with recessive disease (PMID: 16354237; PMID: 18823551; PMID: 23349334; PMID: 23515051; PMID: 24509478). Functional evidence supports a deleterious effect on the gene or gene product (PMID: 16354237; PMID: 18823551; PMID: 23349334; PMID: 23515051; PMID: 24509478). This variant has been recurrently observed in individuals with related phenotype (PMID: 16354237; PMID: 18823551; PMID: 23349334; PMID: 23515051; PMID: 24509478). Multiple computational predictions support a deleterious effect on the gene or gene product. The variant is present at low frequency in population datasets. Based on the available data, this variant is classified as pathogenic.

Blueprint Genetics
Classification: Pathogenic for NPHS2-related disorders. Last evaluated: 2024-11-14. Review status: criteria provided, single submitter. Criteria: ACMG Guidelines, 2015. Collection method: clinical testing. Allele origin: germline. Affected: yes. Observed: 3 variant alleles.

3billion
Classification: Likely pathogenic for Nephrotic syndrome, type 2. Last evaluated: 2024-11-08. Review status: criteria provided, single submitter. Criteria: ACMG Guidelines, 2015. Collection method: clinical testing. Allele origin: germline. Affected: yes.
Comment: The variant is observed at an extremely low frequency in the gnomAD v4.1.0 dataset (total allele frequency: <0.001%). Predicted Consequence/Location: Missense variant In silico tool predictions suggest damaging effect of the variant on gene or gene product [REVEL: 0.88 (>=0.6, sensitivity 0.68 and specificity 0.92); 3Cnet: 0.66 (>=0.6, sensitivity 0.72 and precision 0.9)]. The same nucleotide change resulting in the same amino acid change has been previously reported as pathogenic/likely pathogenic with strong evidence (ClinVar ID: VCV000562398 /PMID: 11805166). The variant has been reported to co-segregate with the disease in at least 3 similarly affected relatives/individuals in the same family or similarly affected unrelated family (PMID: 20947785). Therefore, this variant is classified as Likely pathogenic according to the recommendation of ACMG/AMP guideline.

Baylor Genetics
Classification: Pathogenic for Nephrotic syndrome, type 2. Last evaluated: 2024-01-25. Review status: criteria provided, single submitter. Criteria: ACMG Guidelines, 2015. Collection method: clinical testing. Allele origin: unknown.

Laboratorio de Genetica e Diagnostico Molecular, Hospital Israelita Albert Einstein
Classification: Pathogenic for Nephrotic syndrome, type 2. Last evaluated: 2023-10-13. Review status: criteria provided, single submitter. Criteria: ACMG Guidelines, 2015. Collection method: clinical testing. Allele origin: germline. Affected: yes.
Comment: ACMG classification criteria: PS3 supporting, PM2 moderate, PM3 very strong, PP1 supporting, PP3 supporting

Genome-Nilou Lab
Classification: Likely pathogenic for Nephrotic syndrome, type 2. Last evaluated: 2023-04-11. Review status: criteria provided, single submitter. Criteria: ACMG Guidelines, 2015. Collection method: clinical testing. Allele origin: germline. Affected: no.

Fulgent Genetics
Classification: Pathogenic for Nephrotic syndrome, type 2. Last evaluated: 2021-06-30. Review status: criteria provided, single submitter. Criteria: ACMG Guidelines, 2015. Collection method: clinical testing. Allele origin: unknown.
Comment: This variant has been detected in individual(s) who were sent for testing of Renasight - kidney gene panel.

NM_014625.4(NPHS2):c.851C>T (p.Ala284Val)

Genes: AXDND1 (axonemal dynein light chain domain containing 1; plus strand), NPHS2 (NPHS2 stomatin family member, podocin; minus strand). Cytogenetic location: 1q25.2.
Variant type: single nucleotide variant.
Coding change: c.851C>T on transcript NM_014625.4 (MANE Select); coding-DNA position 851, C replaced by T.
Protein change: p.Ala284Val; replaces alanine 284 with valine.
Molecular consequence: missense variant. On other transcripts: intron variant (1).
Genome position (GRCh38, 1-based): chr1:179,552,625, G>A on the plus strand (C>T on the coding strand, the complement: NPHS2 is on the minus strand). VCF-style: chr1-179552625-G-A. GRCh37 (hg19) VCF-style: chr1-179521760-G-A.
Other names: p.Ala284Val; c.647C>T, p.Ala216Val (NM_001297575.2); c.3032-1887G>A (NM_144696.6); short protein forms A284V, A216V.
Identifiers: ClinVar variation 562398 (VCV000562398.28), dbSNP rs780761368, ClinGen allele CA1267105.